The following is an entry in ClinVar:

NM_181783.4(TMTC3):c.785del (p.Pro262fs)

Gene: TMTC3 (transmembrane O-mannosyltransferase targeting cadherins 3; plus strand). Cytogenetic location: 12q21.32.
Variant type: Deletion.
Coding change: c.785del on transcript NM_181783.4 (MANE Select); coding-DNA position 785, one base deleted (C; older notation c.785delC).
Protein change: p.Pro262fs; shifts the reading frame from proline 262.
Molecular consequence: frameshift variant. On other transcripts: non-coding transcript variant (1).
Genome position (GRCh38, 1-based): chr12:88,160,839, C deleted; the last of 2 consecutive C bases (chr12:88,160,838-88,160,839); deleting either gives the same sequence. VCF-style (leftmost placement, unchanged base first): chr12-88160837-TC-T. GRCh37 (hg19) VCF-style: chr12-88554614-TC-T.
Other names: c.605del, p.Pro202fs (NM_001366574.1); c.566del, p.Pro189fs (NM_001366579.1); c.518del, p.Pro173fs (NM_001366580.1); c.92del, p.Pro31fs (NM_001366583.1); short protein forms P173fs, P189fs, P202fs, P262fs, P31fs.
Identifiers: ClinVar variation 4804940 (VCV004804940.1).

ClinVar aggregate classification (germline): Pathogenic (1 of 4 stars; one submission).

Submission:

Labcorp Genetics (formerly Invitae), Labcorp
Classification: Pathogenic. Last evaluated: 2025-10-03. Review status: criteria provided, single submitter. Criteria: Invitae Variant Classification Sherloc (09022015). Collection method: clinical testing. Allele origin: germline.
Comment: This sequence change creates a premature translational stop signal (p.Pro262Glnfs*12) in the TMTC3 gene. It is expected to result in an absent or disrupted protein product. Loss-of-function variants in TMTC3 are known to be pathogenic (PMID: 27773428, 28973161). This variant is not present in population databases (gnomAD no frequency). This variant has not been reported in the literature in individuals affected with TMTC3-related conditions. For these reasons, this variant has been classified as Pathogenic.

Literature cited by the submitters: PubMed 27773428; PubMed 28973161.